The following is an entry in ClinVar:

ClinVar aggregate classification (germline): Uncertain significance (1 of 4 stars; one submission).

Conditions:
Dilated cardiomyopathy 1G (CMD1G). Identifiers: Orphanet 154, MedGen C1858763, MONDO:0011400, OMIM 604145.
Autosomal recessive limb-girdle muscular dystrophy type 2J (LGMDR10). Also called: MUSCULAR DYSTROPHY, LIMB-GIRDLE, AUTOSOMAL RECESSIVE 10; Limb-girdle muscular dystrophy, type 2J. Identifiers: Orphanet 140922, MedGen C1837342, MONDO:0012127, OMIM 608807.

Allele frequency attached by ClinVar (database versions not stated): gnomAD exomes below 0.00001; ExAC 0.00001.
gnomAD v4.1: 2 of 1,613,030 alleles (0.00012%); highest among the groups gnomAD compares: South Asian, 0.0022%; no homozygotes.

Submission:

Labcorp Genetics (formerly Invitae), Labcorp
Classification: Uncertain significance for Dilated cardiomyopathy 1G; Autosomal recessive limb-girdle muscular dystrophy type 2J. Last evaluated: 2022-03-15. Review status: criteria provided, single submitter. Criteria: Invitae Variant Classification Sherloc (09022015). Collection method: clinical testing. Allele origin: germline.
Comment: This variant has not been reported in the literature in individuals affected with TTN-related conditions. Algorithms developed to predict the effect of missense changes on protein structure and function output the following: SIFT: "Not Available"; PolyPhen-2: "Not Available"; Align-GVGD: "Not Available". The threonine amino acid residue is found in multiple mammalian species, which suggests that this missense change does not adversely affect protein function. In summary, the available evidence is currently insufficient to determine the role of this variant in disease. Therefore, it has been classified as a Variant of Uncertain Significance.

NM_001267550.2(TTN):c.33569T>C (p.Ile11190Thr)

Gene: TTN (titin; minus strand). Cytogenetic location: 2q31.2.
Variant type: single nucleotide variant.
Coding change: c.33569T>C on transcript NM_001267550.2 (MANE Select); coding-DNA position 33569, T replaced by C.
Protein change: p.Ile11190Thr; replaces isoleucine 11190 with threonine.
Molecular consequence: missense variant. On other transcripts: intron variant (3).
Genome position (GRCh38, 1-based): chr2:178,679,905, A>G on the plus strand (T>C on the coding strand, the complement: TTN is on the minus strand). VCF-style: chr2-178679905-A-G. GRCh37 (hg19) VCF-style: chr2-179544632-A-G.
Other names: c.32618T>C, p.Ile10873Thr (NM_001256850.1); c.29837T>C, p.Ile9946Thr (NM_133378.4); c.13283-37588T>C (NM_003319.4); c.13859-37588T>C (NM_133437.4); c.13658-37588T>C (NM_133432.3); short protein forms I11190T, I10873T, I9946T.
Identifiers: ClinVar variation 2163198 (VCV002163198.1), dbSNP rs745458523, ClinGen allele CA1998318.
Genomic context (GRCh38, chr2:178,679,905, plus strand): 5'-AAACTCCAAAGATGCTGTTGCACAGCCCTTTGCAGGAGGCATCATCTACCTTTGACTGGT[A>G]TCACTGGCACCACTTCTTCCTCAGTTATGAACTCCTCTTCTTCATGAATGTACTCTTCTT-3'
Protein context (NP_001254479.2, residues 11180-11200): FITEEEVVPV[Ile11190Thr]PVKVPEVPRK